The following is an entry in ClinVar:

NM_000492.4(CFTR):c.2928C>G (p.Phe976Leu)

Genes: CFTR (CF transmembrane conductance regulator; plus strand), CFTR-AS2 (CFTR antisense RNA 2; minus strand). Cytogenetic location: 7q31.2.
Variant type: single nucleotide variant.
Coding change: c.2928C>G on transcript NM_000492.4 (MANE Select); coding-DNA position 2928, C replaced by G.
Protein change: p.Phe976Leu; replaces phenylalanine 976 with leucine.
Molecular consequence: missense variant.
Genome position (GRCh38, 1-based): chr7:117,606,693, C>G. VCF-style: chr7-117606693-C-G. GRCh37 (hg19) VCF-style: chr7-117246747-C-G.
Other names: short protein forms F976L.
Identifiers: ClinVar variation 3633989 (VCV003633989.2).
Genomic context (GRCh38, chr7:117,606,693, plus strand): 5'-ATTAGTGTTTTTTGAGGAATTTGTCATCTTGTATATTATAGGTGGGATTCTTAATAGATT[C>G]TCCAAAGATATAGCAATTTTGGATGACCTTCTGCCTCTTACCATATTTGACTTCATCCAG-3'
Protein context (NP_000483.3, residues 966-986): TLKAGGILNR[Phe976Leu]SKDIAILDDL

ClinVar aggregate classification (germline): Uncertain significance (1 of 4 stars; one submission).

Conditions:
Cystic fibrosis (CF). Also called: MUCOVISCIDOSIS. Identifiers: Orphanet 586, MedGen C0010674, MONDO:0009061, OMIM 219700. Disease mechanism: loss of function.

gnomAD v4.1: 5 of 1,583,742 alleles (0.00032%); highest among the groups gnomAD compares: African/African-American, 0.0067%; no homozygotes.

Submission:

Labcorp Genetics (formerly Invitae), Labcorp
Classification: Uncertain significance for Cystic fibrosis. Last evaluated: 2024-10-04. Review status: criteria provided, single submitter. Criteria: Invitae Variant Classification Sherloc (09022015). Collection method: clinical testing. Allele origin: germline.
Comment: This sequence change replaces phenylalanine, which is neutral and non-polar, with leucine, which is neutral and non-polar, at codon 976 of the CFTR protein (p.Phe976Leu). The frequency data for this variant in the population databases is considered unreliable, as metrics indicate poor data quality at this position in the gnomAD database. This variant has not been reported in the literature in individuals affected with CFTR-related conditions. Invitae Evidence Modeling of protein sequence and biophysical properties (such as structural, functional, and spatial information, amino acid conservation, physicochemical variation, residue mobility, and thermodynamic stability) indicates that this missense variant is expected to disrupt CFTR protein function with a positive predictive value of 80%. In summary, the available evidence is currently insufficient to determine the role of this variant in disease. Therefore, it has been classified as a Variant of Uncertain Significance.